The following is an entry in ClinVar:

NM_006892.4(DNMT3B):c.1039G>A (p.Gly347Ser)

Gene: DNMT3B (DNA methyltransferase 3 beta; plus strand). Cytogenetic location: 20q11.21.
Variant type: single nucleotide variant.
Coding change: c.1039G>A on transcript NM_006892.4 (MANE Select); coding-DNA position 1039, G replaced by A.
Protein change: p.Gly347Ser; replaces glycine 347 with serine.
Molecular consequence: missense variant.
Genome position (GRCh38, 1-based): chr20:32,792,743, G>A. VCF-style: chr20-32792743-G-A. GRCh37 (hg19) VCF-style: chr20-31380549-G-A.
Other names: c.913G>A, p.Gly305Ser (NM_001207055.2); c.811G>A, p.Gly271Ser (NM_001207056.2); c.1039G>A, p.Gly347Ser (NM_175848.2, NM_175849.2); c.1075G>A, p.Gly359Ser (NM_175850.3); short protein forms G359S, G305S, G271S, G347S.
Identifiers: ClinVar variation 2131687 (VCV002131687.4), dbSNP rs2515570220, ClinGen allele CA408589764.
Genomic context (GRCh38, chr20:32,792,743, plus strand): 5'-GACCAGCTGAAGCCCATGTTGGAGTGGGCCCACGGGGGCTTCAAGCCCACTGGGATCGAG[G>A]GCCTCAAACCCAACAACACGCAACCAGGTGGGAATGAGTCCCCATGGCAGCACCCGCTGC-3'
Protein context (NP_008823.1, residues 337-357): HGGFKPTGIE[Gly347Ser]LKPNNTQPVV

ClinVar aggregate classification (germline): Uncertain significance (1 of 4 stars; one submission).

Conditions:
Centromeric instability of chromosomes 1,9 and 16 and immunodeficiency (ICF1). Also called: Immunodeficiency-centromeric instability-facial anomalies; CENTROMERIC INSTABILITY, IMMUNODEFICIENCY SYNDROME; IMMUNE DEFICIENCY, VARIABLE, WITH CENTROMERIC INSTABILITY OF CHROMOSOMES 1, 9, AND 16; IMMUNODEFICIENCY SYNDROME, VARIABLE. Identifiers: Orphanet 2268, MedGen C0398788, MONDO:0000133.

Submission:

Labcorp Genetics (formerly Invitae), Labcorp
Classification: Uncertain significance for Centromeric instability of chromosomes 1,9 and 16 and immunodeficiency. Last evaluated: 2022-04-29. Review status: criteria provided, single submitter. Criteria: Invitae Variant Classification Sherloc (09022015). Collection method: clinical testing. Allele origin: germline.
Comment: In summary, the available evidence is currently insufficient to determine the role of this variant in disease. Therefore, it has been classified as a Variant of Uncertain Significance. Algorithms developed to predict the effect of missense changes on protein structure and function (SIFT, PolyPhen-2, Align-GVGD) all suggest that this variant is likely to be disruptive. This variant has not been reported in the literature in individuals affected with DNMT3B-related conditions. This variant is not present in population databases (gnomAD no frequency). This sequence change replaces glycine, which is neutral and non-polar, with serine, which is neutral and polar, at codon 347 of the DNMT3B protein (p.Gly347Ser).